The following is an entry in ClinVar:

ClinVar aggregate classification (germline): Uncertain significance (1 of 4 stars; one submission).

Conditions:
Idiopathic Pulmonary Fibrosis. Also called: Idiopathic fibrosing alveolitis, chronic form; idiopathic fibrosing alveolitis. Identifiers: Orphanet 2032, MedGen C1800706, MeSH D054990, MONDO:0800504.
Dyskeratosis congenita, autosomal dominant 2. Identifiers: MedGen C3151443, MONDO:0013521, OMIM 613989.

Allele frequency attached by ClinVar (database versions not stated): TOPMed below 0.00001.

Submission:

Labcorp Genetics (formerly Invitae), Labcorp
Classification: Uncertain significance for Dyskeratosis congenita, autosomal dominant 2; Idiopathic Pulmonary Fibrosis. Last evaluated: 2023-06-05. Review status: criteria provided, single submitter. Criteria: Invitae Variant Classification Sherloc (09022015). Collection method: clinical testing. Allele origin: germline.
Comment: In summary, the available evidence is currently insufficient to determine the role of this variant in disease. Therefore, it has been classified as a Variant of Uncertain Significance. Advanced modeling of protein sequence and biophysical properties (such as structural, functional, and spatial information, amino acid conservation, physicochemical variation, residue mobility, and thermodynamic stability) performed at Invitae indicates that this missense variant is not expected to disrupt TERT protein function. This variant has not been reported in the literature in individuals affected with TERT-related conditions. This variant is not present in population databases (gnomAD no frequency). This sequence change replaces serine, which is neutral and polar, with glycine, which is neutral and non-polar, at codon 784 of the TERT protein (p.Ser784Gly).

NM_198253.3(TERT):c.2350A>G (p.Ser784Gly)

Gene: TERT (telomerase reverse transcriptase; minus strand). Cytogenetic location: 5p15.33.
Variant type: single nucleotide variant.
Coding change: c.2350A>G on transcript NM_198253.3 (MANE Select); coding-DNA position 2350, A replaced by G.
Protein change: p.Ser784Gly; replaces serine 784 with glycine.
Molecular consequence: missense variant.
Genome position (GRCh38, 1-based): chr5:1,272,217, T>C on the plus strand (A>G on the coding strand, the complement: TERT is on the minus strand). VCF-style: chr5-1272217-T-C. GRCh37 (hg19) VCF-style: chr5-1272332-T-C.
Other names: c.2350A>G, p.Ser784Gly (NM_001193376.3, NM_003219.1); short protein forms S784G.
Identifiers: ClinVar variation 2948608 (VCV002948608.3), dbSNP rs1749094617, ClinGen allele CA359076291.